The following is an entry in ClinVar:

NM_016239.4(MYO15A):c.8940dup (p.Ala2981fs)

Gene: MYO15A (myosin XVA; plus strand). Cytogenetic location: 17p11.2.
Variant type: Duplication.
Coding change: c.8940dup on transcript NM_016239.4 (MANE Select); coding-DNA position 8940, one base duplicated (T; older notation c.8940dupT).
Protein change: p.Ala2981fs; shifts the reading frame from alanine 2981.
Molecular consequence: frameshift variant.
Genome position (GRCh38, 1-based): chr17:18,157,873, T duplicated. VCF-style (leftmost placement, unchanged base first): chr17-18157872-C-CT. GRCh37 (hg19) VCF-style: chr17-18061186-C-CT.
Other names: short protein forms A2981fs.
Identifiers: ClinVar variation 1072412 (VCV001072412.5), dbSNP rs1340142756, ClinGen allele CA726661702.
Genomic context (GRCh38, chr17:18,157,872, plus strand): 5'-CAACGGAGCCAGGCCGCGGCCGAGCAGCCGCCGTGGCCGCTGCTGTGGCCTCTGCAGCCG[C>CT]TGCACAGGAGGTGGGCCGCAGGAGAGAGGTGAGACCAGTGTGGGTGGGGTGGGGCGGGGT-3'

ClinVar aggregate classification (germline): Pathogenic (1 of 4 stars; one submission).

Allele frequency attached by ClinVar (database versions not stated): TOPMed 0.00001.

Submission:

Labcorp Genetics (formerly Invitae), Labcorp
Classification: Pathogenic. Last evaluated: 2025-11-09. Review status: criteria provided, single submitter. Criteria: Invitae Variant Classification Sherloc (09022015). Collection method: clinical testing. Allele origin: germline.
Comment: This sequence change creates a premature translational stop signal (p.Ala2981Cysfs*19) in the MYO15A gene. It is expected to result in an absent or disrupted protein product. Loss-of-function variants in MYO15A are known to be pathogenic (PMID: 17546645). This variant is not present in population databases (gnomAD no frequency). This variant has not been reported in the literature in individuals affected with MYO15A-related conditions. ClinVar contains an entry for this variant (Variation ID: 1072412). For these reasons, this variant has been classified as Pathogenic.

Literature cited by the submitters: PubMed 17546645.